The following is an entry in ClinVar:

NM_001042492.3(NF1):c.5812+2T>G

Gene: NF1 (neurofibromin 1; plus strand). Cytogenetic location: 17q11.2.
Variant type: single nucleotide variant.
Coding change: c.5812+2T>G on transcript NM_001042492.3 (MANE Select); the canonical splice donor site of the intron after coding-DNA position 5812, T replaced by G.
Molecular consequence: splice donor variant.
Genome position (GRCh38, 1-based): chr17:31,330,500, T>G. VCF-style: chr17-31330500-T-G. GRCh37 (hg19) VCF-style: chr17-29657518-T-G.
Other names: c.5749+2T>G (NM_000267.4).
Identifiers: ClinVar variation 1072273 (VCV001072273.7), dbSNP rs1555533887, ClinGen allele CA399010539.

ClinVar aggregate classification (germline): Pathogenic. Review status: criteria provided, multiple submitters, no conflicts (2 of 4 stars). 3 submissions from 3 submitters: Pathogenic (3). Last evaluated 2026-10-06.

Conditions:
Neurofibromatosis, type 1 (NF1). Also called: Peripheral type neurofibromatosis; NEUROFIBROMATOSIS, TYPE I, SOMATIC; Neurofibromatosis, type I; VON RECKLINGHAUSEN DISEASE. Identifiers: Orphanet 636, MedGen C0027831, MONDO:0018975, OMIM 162200. Disease mechanism: loss of function.
Juvenile myelomonocytic leukemia (JMML). Also called: LEUKEMIA, JUVENILE MYELOMONOCYTIC, SOMATIC. Identifiers: Orphanet 86834, MedGen C0349639, MONDO:0011908, OMIM 607785, HP:0012209.

Submissions (3):

NHS Central & South Genomic Laboratory Hub
Classification: Pathogenic for Neurofibromatosis type 1. Last evaluated: 2026-10-06. Review status: criteria provided, single submitter. Criteria: ACMG Guidelines, 2015. Collection method: clinical testing. Allele origin: germline. Affected: yes.

Baylor Genetics
Classification: Pathogenic for Juvenile myelomonocytic leukemia. Last evaluated: 2022-03-30. Review status: criteria provided, single submitter. Criteria: ACMG Guidelines, 2015. Collection method: clinical testing. Allele origin: unknown.

Labcorp Genetics (formerly Invitae), Labcorp
Classification: Pathogenic for Neurofibromatosis, type 1. Last evaluated: 2020-01-31. Review status: criteria provided, single submitter. Criteria: Invitae Variant Classification Sherloc (09022015). Collection method: clinical testing. Allele origin: germline.
Comment: This variant has been observed in individual(s) with clinical features of neurofibromatosis type I (PMID: 23913538, 7981679). For these reasons, this variant has been classified as Pathogenic. Donor and acceptor splice site variants typically lead to a loss of protein function (PMID: 16199547), and loss-of-function variants in NF1 are known to be pathogenic (PMID: 10712197, 23913538). Experimental studies have shown that this variant disrupts mRNA splicing (PMID: 23913538). This variant is not present in population databases (ExAC no frequency). This sequence change affects a donor splice site in intron 38 of the NF1 gene. It is expected to disrupt RNA splicing and likely results in an absent or disrupted protein product.

Literature cited by the submitters: PubMed 23913538 (cited by Labcorp Genetics (formerly Invitae), Labcorp); PubMed 7981679 (cited by Labcorp Genetics (formerly Invitae), Labcorp); PubMed 16199547 (cited by Labcorp Genetics (formerly Invitae), Labcorp); PubMed 10712197 (cited by Labcorp Genetics (formerly Invitae), Labcorp).